The following is an entry in ClinVar:

NM_005633.4(SOS1):c.976-5dup

Gene: SOS1 (SOS Ras/Rac guanine nucleotide exchange factor 1; minus strand). Cytogenetic location: 2p22.1.
Variant type: Duplication.
Coding change: c.976-5dup on transcript NM_005633.4 (MANE Select); 5 bases into the intron before coding-DNA position 976, one base duplicated (T; older notation c.976-5dupT).
Molecular consequence: intron variant.
Genome position (GRCh38, 1-based): chr2:39,035,315, A duplicated on the plus strand (T on the coding strand, the reverse complement: SOS1 is on the minus strand); the first of 8 consecutive A bases (chr2:39,035,315-39,035,322); duplicating any one gives the same sequence. VCF-style (leftmost placement, unchanged base first): chr2-39035314-G-GA. GRCh37 (hg19) VCF-style: chr2-39262455-G-GA.
Other names: c.955-5dup (NM_001382394.1); c.976-5dup (NM_001382395.1); c.976-5dupT (NM_005633.3).
Identifiers: ClinVar variation 420202 (VCV000420202.10), dbSNP rs771586560, ClinGen allele CA1624672.

ClinVar aggregate classification (germline): Benign/Likely benign. Review status: criteria provided, multiple submitters, no conflicts (2 of 4 stars). 5 submissions from 4 submitters: Benign (1); Likely benign (4). Last evaluated 2022-05-31.

Conditions:
RASopathy. Also called: Noonan spectrum disorder; rasopathies. Identifiers: Orphanet 536391, MedGen C5555857, MONDO:0021060.
Fibromatosis, gingival, 1 (GINGF1). Identifiers: Orphanet 2024, MedGen C4551558, MONDO:0007609, OMIM 135300.
Noonan syndrome 4 (NS4). Also called: NOONAN SYNDROME WITH PIGMENTED VILLONODULAR SYNOVITIS; SOS1-Related Noonan Syndrome. Identifiers: Orphanet 648, MedGen C1853120, MONDO:0012547, OMIM 610733.

Submissions (5):

Blueprint Genetics
Classification: Likely benign. Last evaluated: 2022-05-31. Review status: criteria provided, single submitter. Criteria: ACMG Guidelines, 2015. Collection method: clinical testing. Allele origin: germline.

Labcorp Genetics (formerly Invitae), Labcorp
Classification: Benign for RASopathy. Last evaluated: 2022-03-13. Review status: criteria provided, single submitter. Criteria: Invitae Variant Classification Sherloc (09022015). Collection method: clinical testing. Allele origin: germline.

GeneDx
Classification: Likely benign. Last evaluated: 2015-11-18. Review status: criteria provided, single submitter. Criteria: GeneDx Variant Classification (06012015). Collection method: clinical testing. Allele origin: germline. Affected: yes.
Comment: This variant is considered likely benign or benign based on one or more of the following criteria: it is a conservative change, it occurs at a poorly conserved position in the protein, it is predicted to be benign by multiple in silico algorithms, and/or has population frequency not consistent with disease.

Genome-Nilou Lab
Classification: Likely benign for Noonan syndrome 4. Review status: criteria provided, single submitter. Criteria: ACMG Guidelines, 2015. Collection method: clinical testing. Allele origin: germline.

Genome-Nilou Lab
Classification: Likely benign for Fibromatosis, gingival, 1. Review status: criteria provided, single submitter. Criteria: ACMG Guidelines, 2015. Collection method: clinical testing. Allele origin: germline.